The following is an entry in ClinVar:

NM_000548.5(TSC2):c.4736G>A (p.Gly1579Asp)

Gene: TSC2 (TSC complex subunit 2; plus strand). Cytogenetic location: 16p13.3.
Variant type: single nucleotide variant.
Coding change: c.4736G>A on transcript NM_000548.5 (MANE Select); coding-DNA position 4736, G replaced by A.
Protein change: p.Gly1579Asp; replaces glycine 1579 with aspartic acid.
Molecular consequence: missense variant.
Genome position (GRCh38, 1-based): chr16:2,086,266, G>A. VCF-style: chr16-2086266-G-A. GRCh37 (hg19) VCF-style: chr16-2136267-G-A.
Other names: c.4535G>A, p.Gly1512Asp (NM_001077183.3); c.4667G>A, p.Gly1556Asp (NM_001114382.3); c.4427G>A, p.Gly1476Asp (NM_001318827.2); c.4391G>A, p.Gly1464Asp (NM_001318829.2); c.4004G>A, p.Gly1335Asp (NM_001318831.2); c.4568G>A, p.Gly1523Asp (NM_001318832.2); c.4538G>A, p.Gly1513Asp (NM_001363528.2); c.4604G>A, p.Gly1535Asp (NM_001370404.1); and 1 more; short protein forms G1464D, G1476D, G1513D, G1523D, G1536D, G1535D, G1579D, G1335D.
Identifiers: ClinVar variation 962194 (VCV000962194.12), dbSNP rs397515222, ClinGen allele CA394307607.

ClinVar aggregate classification (germline): Uncertain significance. Review status: criteria provided, multiple submitters, no conflicts (2 of 4 stars). 2 submissions from 2 submitters: Uncertain significance (2). Last evaluated 2026-03-24.

Conditions:
Hereditary cancer-predisposing syndrome. Also called: Hereditary Cancer Syndrome; Neoplastic Syndromes, Hereditary; Tumor predisposition; Hereditary neoplastic syndrome. Identifiers: Orphanet 140162, MedGen C0027672, MeSH D009386, MONDO:0015356.
Tuberous sclerosis 2 (TSC2). Identifiers: Orphanet 805, MedGen C1860707, MONDO:0013199, OMIM 613254.

Allele frequency attached by ClinVar (database versions not stated): gnomAD exomes below 0.00001.
gnomAD v4.1: 1 of 1,612,868 alleles (0.000062%); highest among the groups gnomAD compares: Non-Finnish European, 0.000085%; no homozygotes.

Submissions (2):

Ambry Genetics
Classification: Uncertain significance for Hereditary cancer-predisposing syndrome. Last evaluated: 2026-03-24. Review status: criteria provided, single submitter. Criteria: Ambry Variant Classification Scheme 2023. Collection method: clinical testing. Allele origin: germline.
Comment: The p.G1579D variant (also known as c.4736G>A), located in coding exon 36 of the TSC2 gene, results from a G to A substitution at nucleotide position 4736. The glycine at codon 1579 is replaced by aspartic acid, an amino acid with similar properties. This amino acid position is conserved. In addition, this alteration is predicted to be deleterious by in silico analysis. Since supporting evidence is limited at this time, the clinical significance of this alteration remains unclear.

Labcorp Genetics (formerly Invitae), Labcorp
Classification: Uncertain significance for Tuberous sclerosis 2. Last evaluated: 2023-06-30. Review status: criteria provided, single submitter. Criteria: Invitae Variant Classification Sherloc (09022015). Collection method: clinical testing. Allele origin: germline.
Comment: In summary, the available evidence is currently insufficient to determine the role of this variant in disease. Therefore, it has been classified as a Variant of Uncertain Significance. This variant disrupts the p.Gly1579 amino acid residue in TSC2. Other variant(s) that disrupt this residue have been observed in individuals with TSC2-related conditions (PMID: 15121792), which suggests that this may be a clinically significant amino acid residue. Advanced modeling of protein sequence and biophysical properties (such as structural, functional, and spatial information, amino acid conservation, physicochemical variation, residue mobility, and thermodynamic stability) performed at Invitae indicates that this missense variant is expected to disrupt TSC2 protein function. ClinVar contains an entry for this variant (Variation ID: 962194). This variant has not been reported in the literature in individuals affected with TSC2-related conditions. This variant is not present in population databases (gnomAD no frequency). This sequence change replaces glycine, which is neutral and non-polar, with aspartic acid, which is acidic and polar, at codon 1579 of the TSC2 protein (p.Gly1579Asp).

Literature cited by the submitters: PubMed 15121792 (cited by Labcorp Genetics (formerly Invitae), Labcorp).